The following is an entry in ClinVar:

ClinVar aggregate classification (germline): Pathogenic/Likely pathogenic. Review status: criteria provided, multiple submitters, no conflicts (2 of 4 stars). 2 submissions from 2 submitters: Pathogenic (1); Likely pathogenic (1). Last evaluated 2024-06-13.

Conditions:
Congenital myasthenic syndrome 5. Identifiers: Orphanet 590, MedGen C1864233, MONDO:0011281, OMIM 603034.

Allele frequency attached by ClinVar (database versions not stated): gnomAD exomes below 0.00001.
gnomAD v4.1: 7 of 1,614,016 alleles (0.00043%); highest among the groups gnomAD compares: Non-Finnish European, 0.00059%; no homozygotes.

Submissions (2):

Labcorp Genetics (formerly Invitae), Labcorp
Classification: Likely pathogenic for Congenital myasthenic syndrome 5. Last evaluated: 2024-06-13. Review status: criteria provided, single submitter. Criteria: Invitae Variant Classification Sherloc (09022015). Collection method: clinical testing. Allele origin: germline.
Comment: This sequence change affects an acceptor splice site in intron 13 of the COLQ gene. It is expected to disrupt RNA splicing. Variants that disrupt the donor or acceptor splice site typically lead to a loss of protein function (PMID: 16199547), and loss-of-function variants in COLQ are known to be pathogenic (PMID: 22678886). The frequency data for this variant in the population databases is considered unreliable, as metrics indicate poor data quality at this position in the gnomAD database. Disruption of this splice site has been observed in individual(s) with clinical features of congenital myasthenic syndrome (PMID: 27848944). ClinVar contains an entry for this variant (Variation ID: 1322155). Algorithms developed to predict the effect of sequence changes on RNA splicing suggest that this variant may disrupt the consensus splice site. In summary, the currently available evidence indicates that the variant is pathogenic, but additional data are needed to prove that conclusively. Therefore, this variant has been classified as Likely Pathogenic.

Revvity Omics, Revvity
Classification: Pathogenic for Congenital myasthenic syndrome 5. Last evaluated: 2019-12-12. Review status: criteria provided, single submitter. Criteria: ACMG Guidelines, 2015. Collection method: clinical testing. Allele origin: germline.

Literature cited by the submitters: PubMed 16199547 (cited by Labcorp Genetics (formerly Invitae), Labcorp); PubMed 22678886 (cited by Labcorp Genetics (formerly Invitae), Labcorp); PubMed 27848944 (cited by Labcorp Genetics (formerly Invitae), Labcorp).

NM_005677.4(COLQ):c.955-2A>T

Gene: COLQ (collagen like tail subunit of asymmetric acetylcholinesterase; minus strand). Cytogenetic location: 3p25.1.
Variant type: single nucleotide variant.
Coding change: c.955-2A>T on transcript NM_005677.4 (MANE Select); the canonical splice acceptor site of the intron before coding-DNA position 955, A replaced by T.
Molecular consequence: splice acceptor variant.
Genome position (GRCh38, 1-based): chr3:15,456,581, T>A on the plus strand (A>T on the coding strand, the complement: COLQ is on the minus strand). VCF-style: chr3-15456581-T-A. GRCh37 (hg19) VCF-style: chr3-15498088-T-A.
Other names: c.853-2A>T (NM_080539.4); c.925-2A>T (NM_080538.2).
Identifiers: ClinVar variation 1322155 (VCV001322155.6), dbSNP rs1172409117, ClinGen allele CA351597147.